The following is an entry in ClinVar:

NM_000094.4(COL7A1):c.7164+3A>G

Gene: COL7A1 (collagen type VII alpha 1 chain; minus strand). Cytogenetic location: 3p21.31.
Variant type: single nucleotide variant.
Coding change: c.7164+3A>G on transcript NM_000094.4 (MANE Select); 3 bases into the intron after coding-DNA position 7164, A replaced by G.
Molecular consequence: intron variant.
Genome position (GRCh38, 1-based): chr3:48,571,098, T>C on the plus strand (A>G on the coding strand, the complement: COL7A1 is on the minus strand). VCF-style: chr3-48571098-T-C. GRCh37 (hg19) VCF-style: chr3-48608531-T-C.
Identifiers: ClinVar variation 2810933 (VCV002810933.3), dbSNP rs2530875284, ClinGen allele CA2739278446.
Genomic context (GRCh38, chr3:48,571,098, plus strand): 5'-CCTCTTCCTCCTGTGGGGGCCCGGCCTGCTGCCCCTACAACTGGTGATGGGGCATTGACT[T>C]ACCTTCACACCTGGAGGGCCAGGAGGCCCAGGGGAGCCCGGGACCCCGACTCCTGGGTCA-3'

ClinVar aggregate classification (germline): Uncertain significance (1 of 4 stars; one submission).

Submission:

Labcorp Genetics (formerly Invitae), Labcorp
Classification: Uncertain significance. Last evaluated: 2023-09-08. Review status: criteria provided, single submitter. Criteria: Invitae Variant Classification Sherloc (09022015). Collection method: clinical testing. Allele origin: germline.
Comment: This sequence change falls in intron 93 of the COL7A1 gene. It does not directly change the encoded amino acid sequence of the COL7A1 protein. It affects a nucleotide within the consensus splice site. This variant is not present in population databases (gnomAD no frequency). This variant has not been reported in the literature in individuals affected with COL7A1-related conditions. Variants that disrupt the consensus splice site are a relatively common cause of aberrant splicing (PMID: 17576681, 9536098). Algorithms developed to predict the effect of sequence changes on RNA splicing suggest that this variant is not likely to affect RNA splicing. In summary, the available evidence is currently insufficient to determine the role of this variant in disease. Therefore, it has been classified as a Variant of Uncertain Significance.

Literature cited by the submitters: PubMed 17576681; PubMed 9536098.